The following is an entry in ClinVar:

ClinVar aggregate classification (germline): Uncertain significance (1 of 4 stars; one submission).

Conditions:
Intellectual developmental disorder, autosomal dominant 66. Also called: MENTAL RETARDATION, AUTOSOMAL DOMINANT 66. Identifiers: MedGen C5677000, MONDO:0030891, OMIM 619910.

Submission:

Institute of Human Genetics, University of Leipzig Medical Center
Classification: Uncertain significance for Intellectual developmental disorder, autosomal dominant 66. Last evaluated: 2022-10-07. Review status: criteria provided, single submitter. Criteria: ACMG Guidelines, 2015. Collection method: clinical testing. Allele origin: unknown. Affected: yes.
Comment: _x000D_ Criteria applied: PM2_SUP, PP2, PP3

NM_001366521.1(ATP2B1):c.2426A>G (p.Asp809Gly)

Gene: ATP2B1 (ATPase plasma membrane Ca2+ transporting 1; minus strand). Cytogenetic location: 12q21.33.
Variant type: single nucleotide variant.
Coding change: c.2426A>G on transcript NM_001366521.1 (MANE Select); coding-DNA position 2426, A replaced by G.
Protein change: p.Asp809Gly; replaces aspartic acid 809 with glycine.
Molecular consequence: missense variant.
Genome position (GRCh38, 1-based): chr12:89,609,953, T>C on the plus strand (A>G on the coding strand, the complement: ATP2B1 is on the minus strand). VCF-style: chr12-89609953-T-C. GRCh37 (hg19) VCF-style: chr12-90003730-T-C.
Other names: c.2426A>G, p.Asp809Gly (NM_001001323.2, NM_001366520.1, NM_001366522.1 and 8 more transcripts); c.2228A>G, p.Asp743Gly (NM_001366530.1); c.1865A>G, p.Asp622Gly (NM_001366531.1, NM_001366532.1); short protein forms D622G, D743G, D809G.
Identifiers: ClinVar variation 1712324 (VCV001712324.1), dbSNP rs2540873959, ClinGen allele CA386123242.